The following is an entry in ClinVar:

ClinVar aggregate classification (germline): Uncertain significance (1 of 4 stars; one submission).

gnomAD v4.1: 9 of 1,610,804 alleles (0.00056%); highest among the groups gnomAD compares: Non-Finnish European, 0.00076%; no homozygotes.

Submission:

CeGaT Center for Human Genetics Tuebingen
Classification: Uncertain significance. Last evaluated: 2024-01-01. Review status: criteria provided, single submitter. Criteria: CeGaT Center For Human Genetics Tuebingen Variant Classification Criteria Version 2. Collection method: clinical testing. Allele origin: germline. Affected: yes. Observed: 1 variant allele.
Comment: FLG2: PM2, BP4

NM_001014342.3(FLG2):c.6021T>A (p.His2007Gln)

Genes: FLG2 (filaggrin 2; minus strand), CCDST (cervical cancer associated DHX9 suppressive transcript; plus strand). Cytogenetic location: 1q21.3.
Variant type: single nucleotide variant.
Coding change: c.6021T>A on transcript NM_001014342.3 (MANE Select); coding-DNA position 6021, T replaced by A.
Protein change: p.His2007Gln; replaces histidine 2007 with glutamine.
Molecular consequence: missense variant.
Genome position (GRCh38, 1-based): chr1:152,351,765, A>T on the plus strand (T>A on the coding strand, the complement: FLG2 is on the minus strand). VCF-style: chr1-152351765-A-T. GRCh37 (hg19) VCF-style: chr1-152324241-A-T.
Other names: short protein forms H2007Q.
Identifiers: ClinVar variation 2639333 (VCV002639333.24), dbSNP rs917704724, ClinGen allele CA30600334.